The following is an entry in ClinVar:

NM_024105.4(ALG12):c.358C>T (p.Arg120Trp)

Gene: ALG12 (ALG12 alpha-1,6-mannosyltransferase; minus strand). Cytogenetic location: 22q13.33.
Variant type: single nucleotide variant.
Coding change: c.358C>T on transcript NM_024105.4 (MANE Select); coding-DNA position 358, C replaced by T.
Protein change: p.Arg120Trp; replaces arginine 120 with tryptophan.
Molecular consequence: missense variant.
Genome position (GRCh38, 1-based): chr22:49,910,545, G>A on the plus strand (C>T on the coding strand, the complement: ALG12 is on the minus strand). VCF-style: chr22-49910545-G-A. GRCh37 (hg19) VCF-style: chr22-50304193-G-A.
Other names: c.358C>T (NM_024105.3); short protein forms R120W.
Identifiers: ClinVar variation 1351883 (VCV001351883.5), dbSNP rs772004305, ClinGen allele CA10300644.

ClinVar aggregate classification (germline): Uncertain significance. Review status: criteria provided, multiple submitters, no conflicts (2 of 4 stars). 2 submissions from 2 submitters: Uncertain significance (2). Last evaluated 2024-01-02.

Conditions:
Inborn genetic diseases. Identifiers: MedGen C0950123, MeSH D030342.
ALG12-congenital disorder of glycosylation (CDG1G). Also called: CDG Ig; ALG12-CDG; Congenital disorder of glycosylation, type Ig. Identifiers: Orphanet 79324, MedGen C2931001, MONDO:0011783, OMIM 607143.

Allele frequency attached by ClinVar (database versions not stated): gnomAD 0.00005 and 0.00006; gnomAD exomes 0.00006 and 0.00010; TOPMed 0.00006; ExAC 0.00007.

Submissions (2):

Labcorp Genetics (formerly Invitae), Labcorp
Classification: Uncertain significance for ALG12-congenital disorder of glycosylation. Last evaluated: 2024-01-02. Review status: criteria provided, single submitter. Criteria: Invitae Variant Classification Sherloc (09022015). Collection method: clinical testing. Allele origin: germline.
Comment: This sequence change replaces arginine, which is basic and polar, with tryptophan, which is neutral and slightly polar, at codon 120 of the ALG12 protein (p.Arg120Trp). This variant is present in population databases (rs772004305, gnomAD 0.07%). This variant has not been reported in the literature in individuals affected with ALG12-related conditions. ClinVar contains an entry for this variant (Variation ID: 1351883). Advanced modeling of protein sequence and biophysical properties (such as structural, functional, and spatial information, amino acid conservation, physicochemical variation, residue mobility, and thermodynamic stability) performed at Invitae indicates that this missense variant is not expected to disrupt ALG12 protein function with a negative predictive value of 80%. In summary, the available evidence is currently insufficient to determine the role of this variant in disease. Therefore, it has been classified as a Variant of Uncertain Significance.

Ambry Genetics
Classification: Uncertain significance for Inborn genetic diseases. Last evaluated: 2021-03-31. Review status: criteria provided, single submitter. Criteria: Ambry Variant Classification Scheme 2023. Collection method: clinical testing. Allele origin: germline.